The following is an entry in ClinVar:

NM_001009944.3(PKD1):c.12824C>T (p.Ala4275Val)

Gene: PKD1 (polycystin 1, transient receptor potential channel interacting; minus strand). Cytogenetic location: 16p13.3.
Variant type: single nucleotide variant.
Coding change: c.12824C>T on transcript NM_001009944.3 (MANE Select); coding-DNA position 12824, C replaced by T.
Protein change: p.Ala4275Val; replaces alanine 4275 with valine.
Molecular consequence: missense variant.
Genome position (GRCh38, 1-based): chr16:2,089,815, G>A on the plus strand (C>T on the coding strand, the complement: PKD1 is on the minus strand). VCF-style: chr16-2089815-G-A. GRCh37 (hg19) VCF-style: chr16-2139816-G-A.
Other names: c.12821C>T, p.Ala4274Val (NM_000296.4); short protein forms A4274V, A4275V.
Identifiers: ClinVar variation 997224 (VCV000997224.1), dbSNP rs1211572683, ClinGen allele CA394319469.

ClinVar aggregate classification (germline): Uncertain significance (0 of 4 stars; one submission).

Conditions:
Polycystic kidney disease. Also called: Polycystic kidney dysplasia; Kidney, Polycystic. Identifiers: MedGen C0022680, MeSH D007690, MONDO:0020642, HP:0000113.

Allele frequency attached by ClinVar (database versions not stated): TOPMed 0.00001.

Submission:

Department of Pathology and Laboratory Medicine, Sinai Health System
Classification: Uncertain significance for Polycystic Kidney disease. Review status: no assertion criteria provided. Collection method: clinical testing. Allele origin: unknown. Affected: yes. Study: The Canadian Open Genetics Repository (COGR).
Comment: The PKD1 p.Ala4275Val variant was not identified in the literature nor was it identified in the ClinVar, LOVD 3.0, ADPKD Mutation Database and PKD1-LOVD databases. The variant was identified in dbSNP (rs1211572683) as â€šÃ„ÃºNAâ€šÃ„Ã¹. The variant was not identified in the following control databases: the Exome Aggregation Consortium (August 8th 2016), or the Genome Aggregation Database (Feb 27, 2017). The p.Ala4275 residue is conserved in in mammals but not in more distantly related organisms however computational analyses (PolyPhen-2, SIFT, AlignGVGD, BLOSUM, MutationTaster) do not suggest a high likelihood of impact to the protein; this information is not predictive enough to rule out pathogenicity. The variant occurs outside of the splicing consensus sequence and 1 of 4 in silico or computational prediction software programs (SpliceSiteFinder, MaxEntScan, NNSPLICE, GeneSplicer) predict a greater than 10% difference in splicing; this is not very predictive of pathogenicity. In summary, based on the above information the clinical significance of this variant cannot be determined with certainty at this time. This variant is classified as a variant of uncertain significance.